The following is an entry in ClinVar:

NM_133510.4(RAD51B):c.360G>A (p.Met120Ile)

Gene: RAD51B (RAD51 paralog B; plus strand). Cytogenetic location: 14q24.1.
Variant type: single nucleotide variant.
Coding change: c.360G>A on transcript NM_133510.4 (MANE Select); coding-DNA position 360, G replaced by A.
Protein change: p.Met120Ile; replaces methionine 120 with isoleucine.
Molecular consequence: missense variant. On other transcripts: initiator codon variant (1).
Genome position (GRCh38, 1-based): chr14:67,865,047, G>A. VCF-style: chr14-67865047-G-A. GRCh37 (hg19) VCF-style: chr14-68331764-G-A.
Other names: c.360G>A, p.Met120Ile (NM_001321809.2, NM_001321810.2, NM_001321812.1 and 6 more transcripts); c.246G>A, p.Met82Ile (NM_001321815.1); c.3G>A, p.Met1Ile (NM_001321817.2); short protein forms M82I, M1I, M120I.
Identifiers: ClinVar variation 5027769 (VCV005027769.1).
Genomic context (GRCh38, chr14:67,865,047, plus strand): 5'-TTTTTTTTTTTTTTAGATTACAGGTCCACCAGGTTGTGGAAAAACTCAGTTTTGTATAAT[G>A]ATGAGCATTTTGGCTACATTACCCACCAACATGGGAGGATTAGAAGGAGCTGTGGTGTAC-3'
Protein context (NP_598194.1, residues 110-130): PGCGKTQFCI[Met120Ile]MSILATLPTN

ClinVar aggregate classification (germline): Uncertain significance (1 of 4 stars; one submission).

Submission:

Ambry Genetics
Classification: Uncertain significance. Last evaluated: 2026-06-30. Review status: criteria provided, single submitter. Criteria: Ambry Variant Classification Scheme 2023. Collection method: clinical testing. Allele origin: germline.
Comment: The p.M120I variant (also known as c.360G>A), located in coding exon 4 of the RAD51B gene, results from a G to A substitution at nucleotide position 360. The methionine at codon 120 is replaced by isoleucine, an amino acid with highly similar properties. This amino acid position is conserved. In addition, the in silico prediction for this alteration is inconclusive. Based on the available evidence, the clinical significance of this variant remains unclear.